The following is an entry in ClinVar:

ClinVar aggregate classification (germline): Uncertain significance (1 of 4 stars; one submission).

Conditions:
Adenylosuccinate lyase deficiency (ADSLD). Also called: ADSL DEFICIENCY. Identifiers: Orphanet 46, MedGen C0268126, MONDO:0007068, OMIM 103050.

Allele frequency attached by ClinVar (database versions not stated): TOPMed 0.00001; gnomAD 0.00003.

Submission:

Labcorp Genetics (formerly Invitae), Labcorp
Classification: Uncertain significance for Adenylosuccinate lyase deficiency. Last evaluated: 2022-10-17. Review status: criteria provided, single submitter. Criteria: Invitae Variant Classification Sherloc (09022015). Collection method: clinical testing. Allele origin: germline.
Comment: Experimental studies and prediction algorithms are not available or were not evaluated, and the functional significance of this variant is currently unknown. This variant has not been reported in the literature in individuals affected with ADSL-related conditions. This variant is not present in population databases (gnomAD no frequency). This variant occurs in a non-coding region of the ADSL gene. It does not change the encoded amino acid sequence of the ADSL protein. In summary, the available evidence is currently insufficient to determine the role of this variant in disease. Therefore, it has been classified as a Variant of Uncertain Significance.

NC_000022.11:g.40345484A>C

Gene: ADSL (adenylosuccinate lyase; plus strand). Cytogenetic location: 22q13.1.
Variant type: single nucleotide variant.
Genome position: GRCh38 VCF-style: chr22-40345484-A-C. GRCh37 (hg19) VCF-style: chr22-40741488-A-C.
Identifiers: ClinVar variation 1505321 (VCV001505321.4), dbSNP rs1386684080, ClinGen allele CA753179251.